The following is an entry in ClinVar:

NM_004360.5(CDH1):c.1224G>A (p.Ala408=)

Gene: CDH1 (cadherin 1; plus strand). Cytogenetic location: 16q22.1.
Variant type: single nucleotide variant.
Coding change: c.1224G>A on transcript NM_004360.5 (MANE Select); coding-DNA position 1224, G replaced by A.
Protein change: p.Ala408=; no amino-acid change (alanine 408 retained).
Molecular consequence: synonymous variant. On other transcripts: 5 prime UTR variant (2), intron variant (1).
Genome position (GRCh38, 1-based): chr16:68,813,399, G>A. VCF-style: chr16-68813399-G-A. GRCh37 (hg19) VCF-style: chr16-68847302-G-A.
Other names: c.1224G>A (LRG_301t1); c.-392G>A (NM_001317185.2); c.-596G>A (NM_001317186.2); c.1137+1136G>A (NM_001317184.2).
Identifiers: ClinVar variation 136057 (VCV000136057.86), dbSNP rs200161607, ClinGen allele CA187519.

ClinVar aggregate classification (germline): Benign/Likely benign. Review status: criteria provided, multiple submitters, no conflicts (2 of 4 stars). 20 submissions from 20 submitters: Benign (6); Likely benign (11). 3 of the submissions do not count toward it. Last evaluated 2026-01-30.

Conditions:
Breast and/or ovarian cancer. Identifiers: MedGen CN221562.
Hereditary cancer-predisposing syndrome. Also called: Tumor predisposition; Hereditary neoplastic syndrome; Hereditary Cancer Syndrome; Neoplastic Syndromes, Hereditary. Identifiers: Orphanet 140162, MedGen C0027672, MeSH D009386, MONDO:0015356.
Hereditary diffuse gastric adenocarcinoma (HDGC). Also called: DIFFUSE GASTRIC AND LOBULAR BREAST CANCER SYNDROME. Identifiers: Orphanet 26106, MedGen C1708349, MONDO:0007648, OMIM 137215.

Allele frequency attached by ClinVar (database versions not stated): TOPMed 0.00006; gnomAD exomes 0.00007 and 0.00008; ExAC 0.00008; 1000 Genomes Project 30x 0.00016; 1000 Genomes Project 0.00020; gnomAD 0.00004 and 0.00005.
gnomAD v4.1: 112 of 1,614,156 alleles (0.0069%); highest among the groups gnomAD compares: Middle Eastern, 0.049%; no homozygotes.

Submissions (20):

Labcorp Genetics (formerly Invitae), Labcorp
Classification: Likely benign for Hereditary diffuse gastric adenocarcinoma. Last evaluated: 2026-01-30. Review status: criteria provided, single submitter. Criteria: Invitae Variant Classification Sherloc (09022015). Collection method: clinical testing. Allele origin: germline.

CeGaT Center for Human Genetics Tuebingen
Classification: Likely benign. Last evaluated: 2025-09-01. Review status: criteria provided, single submitter. Criteria: CeGaT Center For Human Genetics Tuebingen Variant Classification Criteria Version 2. Collection method: clinical testing. Allele origin: germline. Affected: yes. Observed: 5 variant alleles.
Comment: CDH1: BP4, BP7

Center for Genomic Medicine, Rigshospitalet, Copenhagen University Hospital
Classification: Likely benign. Last evaluated: 2025-03-04. Review status: criteria provided, single submitter. Criteria: ACMG Guidelines, 2015. Collection method: clinical testing. Allele origin: germline.

Blueprint Genetics
Classification: Likely benign. Last evaluated: 2024-10-16. Review status: criteria provided, single submitter. Criteria: ACMG Guidelines, 2015. Collection method: clinical testing. Allele origin: germline.

Institute for Biomarker Research, Medical Diagnostic Laboratories, L.L.C.
Classification: Likely benign for Hereditary cancer-predisposing syndrome. Last evaluated: 2024-05-22. Review status: criteria provided, single submitter. Criteria: ACMG Guidelines, 2015. Collection method: clinical testing. Allele origin: germline.

Myriad Genetics, Inc.
Classification: Benign for Hereditary diffuse gastric adenocarcinoma. Last evaluated: 2023-03-06. Review status: criteria provided, single submitter. Criteria: Myriad Autosomal Dominant, Autosomal Recessive and X-Linked Classification Criteria (2023). Collection method: clinical testing. Allele origin: unknown.
Comment: This variant is considered benign. This variant is a silent/synonymous amino acid change and it is not expected to impact splicing.

Department of Pathology and Laboratory Medicine, Sinai Health System
Classification: Likely benign for Hereditary diffuse gastric adenocarcinoma. Last evaluated: 2022-08-22. Review status: criteria provided, single submitter. Criteria: ACMG Guidelines, 2015. Collection method: clinical testing. Allele origin: germline. Affected: yes.

European Reference Network on Genetic Tumour Risk Syndromes (ERN-GENTURIS), i3s - Instituto de Investigação e Inovação em Saúde, University of Porto
Classification: Likely benign for Hereditary diffuse gastric adenocarcinoma. Last evaluated: 2022-08-01. Review status: criteria provided, single submitter. Criteria: Lee et al. (Hum Mutat. 2018). Collection method: clinical testing. Allele origin: germline. Inheritance: Autosomal dominant inheritance. Affected: no. Study: ERN GENTURIS.
Comment: BS2_Supporting; BS3 (PMID: 30311375)

CHEO Genetics Diagnostic Laboratory, Children's Hospital of Eastern Ontario
Classification: Likely benign for Breast and/or ovarian cancer. Last evaluated: 2022-05-03. Review status: criteria provided, single submitter. Criteria: ACMG Guidelines, 2015. Collection method: clinical testing. Allele origin: germline.

Sema4
Classification: Benign for Hereditary cancer-predisposing syndrome. Last evaluated: 2021-03-22. Review status: criteria provided, single submitter. Criteria: Sema4 Curation Guidelines. Collection method: curation. Allele origin: germline.

ARUP Laboratories, Molecular Genetics and Genomics, ARUP Laboratories
Classification: Benign. Last evaluated: 2020-02-27. Review status: criteria provided, single submitter. Criteria: ARUP Molecular Germline Variant Investigation Process. Collection method: clinical testing. Allele origin: germline.

Women's Health and Genetics/Laboratory Corporation of America, LabCorp
Classification: Benign. Last evaluated: 2018-08-13. Review status: criteria provided, single submitter. Criteria: LabCorp Variant Classification Summary - May 2015. Collection method: clinical testing. Allele origin: germline.
Comment: Variant summary: CDH1 c.1224G>A alters a non-conserved nucleotide resulting in a synonymous change. 5/5 computational tools predict no significant impact on normal splicing. A functional study confirmed the lack of impact on splicing (Chen_2013). The variant allele was found at a frequency of 7.6e-05 in 277224 control chromosomes. The observed variant frequency is approximately 2.68 fold of the estimated maximal expected allele frequency for a pathogenic variant in CDH1 causing Hereditary Diffuse Gastric Cancer phenotype (2.8e-05), strongly suggesting that the variant is benign. c.1224G>A has been reported in the literature in individuals affected with gastric cancer and breast cancer (Chen_2013, Stuebs_2018). These report(s) do not provide unequivocal conclusions about association of the variant with Hereditary Diffuse Gastric Cancer. Three clinical diagnostic laboratories have submitted clinical-significance assessments for this variant to ClinVar after 2014 without evidence for independent evaluation. All laboratories classified the variant as likely benign. Based on the evidence outlined above, the variant was classified as benign.

Quest Diagnostics Nichols Institute San Juan Capistrano
Classification: Benign. Last evaluated: 2017-10-09. Review status: criteria provided, single submitter. Criteria: Quest Diagnostics criteria. Collection method: clinical testing. Allele origin: germline.

Color Diagnostics, LLC DBA Color Health
Classification: Likely benign for Hereditary cancer-predisposing syndrome. Last evaluated: 2016-05-12. Review status: criteria provided, single submitter. Criteria: ACMG Guidelines, 2015. Collection method: clinical testing. Allele origin: germline.

GeneDx
Classification: Benign. Last evaluated: 2015-03-03. Review status: criteria provided, single submitter. Criteria: GeneDx Variant Classification Process June 2021. Collection method: clinical testing. Allele origin: germline. Affected: yes.

Ambry Genetics
Classification: Likely benign for Hereditary cancer-predisposing syndrome. Last evaluated: 2014-10-21. Review status: criteria provided, single submitter. Criteria: Ambry Variant Classification Scheme 2023. Collection method: clinical testing. Allele origin: germline.

PreventionGenetics, part of Exact Sciences
Classification: Likely benign. Review status: criteria provided, single submitter. Criteria: ACMG Guidelines, 2015. Collection method: clinical testing. Allele origin: germline.

Counsyl
Classification: Likely benign for Hereditary diffuse gastric adenocarcinoma. Last evaluated: 2015-12-04. Review status: no assertion criteria provided. Collection method: clinical testing. Allele origin: unknown. Not counted in ClinVar's aggregate classification.

Diagnostic Laboratory, Department of Genetics, University Medical Center Groningen
Classification: Likely benign. Review status: no assertion criteria provided. Collection method: clinical testing. Allele origin: germline. Affected: yes. Study: VKGL Data-share Consensus. Not counted in ClinVar's aggregate classification.

Genome Diagnostics Laboratory, Amsterdam University Medical Center
Classification: Likely benign. Review status: no assertion criteria provided. Collection method: clinical testing. Allele origin: germline. Affected: yes. Study: VKGL Data-share Consensus. Not counted in ClinVar's aggregate classification.

Literature cited by the submitters: PubMed 36436516 (cited by European Reference Network on Genetic Tumour Risk Syndromes (ERN-GENTURIS), i3s - Instituto de Investigação e Inovação em Saúde, University of Porto); PubMed 23431106 (cited by Women's Health and Genetics/Laboratory Corporation of America, LabCorp and Counsyl); PubMed 23435907 (cited by Ambry Genetics).